The following is an entry in ClinVar:

NM_000321.3(RB1):c.67C>T (p.Pro23Ser)

Gene: RB1 (RB transcriptional corepressor 1; plus strand). Cytogenetic location: 13q14.2.
Variant type: single nucleotide variant.
Coding change: c.67C>T on transcript NM_000321.3 (MANE Select); coding-DNA position 67, C replaced by T.
Protein change: p.Pro23Ser; replaces proline 23 with serine.
Molecular consequence: missense variant.
Genome position (GRCh38, 1-based): chr13:48,303,979, C>T. VCF-style: chr13-48303979-C-T. GRCh37 (hg19) VCF-style: chr13-48878115-C-T.
Other names: short protein forms P23S.
Identifiers: ClinVar variation 835973 (VCV000835973.12), dbSNP rs1349657979, ClinGen allele CA388250258.

ClinVar aggregate classification (germline): Uncertain significance. Review status: criteria provided, multiple submitters, no conflicts (2 of 4 stars). 4 submissions from 4 submitters: Uncertain significance (3). 1 of the submissions does not count toward it. Last evaluated 2026-04-13.

Conditions:
Retinal dystrophy. Also called: Inherited retinal dystrophy. Identifiers: Orphanet 71862, MedGen C0854723, MeSH D058499, MONDO:0019118, HP:0000556.
Hereditary cancer-predisposing syndrome. Also called: Tumor predisposition; Neoplastic Syndromes, Hereditary; Hereditary neoplastic syndrome; Hereditary Cancer Syndrome. Identifiers: Orphanet 140162, MedGen C0027672, MeSH D009386, MONDO:0015356.
Retinoblastoma (RB1). Also called: RETINOBLASTOMA, SOMATIC. Identifiers: Orphanet 790, MedGen C0035335, MeSH D012175, MONDO:0008380, OMIM 180200, HP:0009919. Disease mechanism: loss of function. Inheritance: Both sporadic and heritable forms are tested..

gnomAD v4.1: 2 of 1,496,988 alleles (0.00013%); highest among the groups gnomAD compares: South Asian, 0.0012%; no homozygotes.

Submissions (4):

Ambry Genetics
Classification: Uncertain significance for Hereditary cancer-predisposing syndrome. Last evaluated: 2026-04-13. Review status: criteria provided, single submitter. Criteria: Ambry Variant Classification Scheme 2023. Collection method: clinical testing. Allele origin: germline.
Comment: The p.P23S variant (also known as c.67C>T), located in coding exon 1 of the RB1 gene, results from a C to T substitution at nucleotide position 67. The proline at codon 23 is replaced by serine, an amino acid with similar properties. This amino acid position is highly conserved in available vertebrate species. In addition, the in silico prediction for this alteration is inconclusive. Based on the available evidence, the clinical significance of this variant remains unclear.

Labcorp Genetics (formerly Invitae), Labcorp
Classification: Uncertain significance for Retinoblastoma. Last evaluated: 2025-10-09. Review status: criteria provided, single submitter. Criteria: Invitae Variant Classification Sherloc (09022015). Collection method: clinical testing. Allele origin: germline.
Comment: This sequence change replaces proline, which is neutral and non-polar, with serine, which is neutral and polar, at codon 23 of the RB1 protein (p.Pro23Ser). This variant is not present in population databases (gnomAD no frequency). This variant has not been reported in the literature in individuals affected with RB1-related conditions. ClinVar contains an entry for this variant (Variation ID: 835973). Invitae Evidence Modeling of protein sequence and biophysical properties (such as structural, functional, and spatial information, amino acid conservation, physicochemical variation, residue mobility, and thermodynamic stability) has been performed for this missense variant. However, the output from this modeling did not meet the statistical confidence thresholds required to predict the impact of this variant on RB1 protein function. In summary, the available evidence is currently insufficient to determine the role of this variant in disease. Therefore, it has been classified as a Variant of Uncertain Significance.

All of Us Research Program, National Institutes of Health
Classification: Uncertain significance for Retinoblastoma. Last evaluated: 2023-08-15. Review status: criteria provided, single submitter. Criteria: ACMG Guidelines, 2015. Collection method: clinical testing. Allele origin: germline. Inheritance: Autosomal dominant inheritance. Observed: 1 variant allele, 1 heterozygote.
Comment: This missense variant replaces proline with serine at codon 23 of the RB1 protein. Computational prediction suggests that this variant may not impact protein structure and function (internally defined REVEL score threshold <= 0.5, PMID: 27666373). To our knowledge, functional studies have not been reported for this variant. This variant has not been reported in individuals affected with RB1-related disorders in the literature. This variant has not been identified in the general population by the Genome Aggregation Database (gnomAD). The available evidence is insufficient to determine the role of this variant in disease conclusively. Therefore, this variant is classified as a Variant of Uncertain Significance.

This study involves interpretation of variants in research participants for the purpose of population health screening. Participant phenotype was not available at the time of variant classification. Additional details can be found in publication PMID: 35346344, PMCID: PMC8962531

Institute of Human Genetics, Univ. Regensburg, Univ. Regensburg
Classification: Uncertain significance for Retinal dystrophy. Last evaluated: 2022-01-01. Review status: no assertion criteria provided. Criteria: ACMG Guidelines, 2015. Collection method: clinical testing. Allele origin: germline. Affected: yes. Not counted in ClinVar's aggregate classification.